The following is an entry in ClinVar:

ClinVar aggregate classification (germline): Uncertain significance (1 of 4 stars; one submission).

Conditions:
Arrhythmogenic cardiomyopathy with wooly hair and keratoderma. Also called: Arrhythmogenic cardiomyopathy with woolly hair and keratoderma; Dilated cardiomyopathy with woolly hair and keratoderma; PALMOPLANTAR KERATODERMA WITH LEFT VENTRICULAR CARDIOMYOPATHY AND WOOLLY HAIR; Carvajal syndrome. Identifiers: Orphanet 65282, MedGen C1854063, MONDO:0011581, OMIM 605676.
Arrhythmogenic right ventricular dysplasia 8 (ARVD8). Also called: Arrhythmogenic Right Ventricular Dysplasia/Cardiomyopathy 8; ARRHYTHMOGENIC RIGHT VENTRICULAR DYSPLASIA, FAMILIAL, 8; ARRHYTHMOGENIC RIGHT VENTRICULAR CARDIOMYOPATHY 8. Identifiers: MedGen C1843896, MONDO:0011831, OMIM 607450.

Submission:

Labcorp Genetics (formerly Invitae), Labcorp
Classification: Uncertain significance for Arrhythmogenic cardiomyopathy with wooly hair and keratoderma; Arrhythmogenic right ventricular dysplasia 8. Last evaluated: 2023-07-27. Review status: criteria provided, single submitter. Criteria: Invitae Variant Classification Sherloc (09022015). Collection method: clinical testing. Allele origin: germline.
Comment: In summary, the available evidence is currently insufficient to determine the role of this variant in disease. Therefore, it has been classified as a Variant of Uncertain Significance. An algorithm developed to predict the effect of missense changes on protein structure and function (PolyPhen-2) suggests that this variant is likely to be disruptive. This variant has not been reported in the literature in individuals affected with DSP-related conditions. This variant is not present in population databases (gnomAD no frequency). This sequence change replaces asparagine, which is neutral and polar, with tyrosine, which is neutral and polar, at codon 2474 of the DSP protein (p.Asn2474Tyr).

NM_004415.4(DSP):c.7420A>T (p.Asn2474Tyr)

Gene: DSP (desmoplakin; plus strand). Cytogenetic location: 6p24.3.
Variant type: single nucleotide variant.
Coding change: c.7420A>T on transcript NM_004415.4 (MANE Select); coding-DNA position 7420, A replaced by T.
Protein change: p.Asn2474Tyr; replaces asparagine 2474 with tyrosine.
Molecular consequence: missense variant.
Genome position (GRCh38, 1-based): chr6:7,584,682, A>T. VCF-style: chr6-7584682-A-T. GRCh37 (hg19) VCF-style: chr6-7584915-A-T.
Other names: c.5623A>T, p.Asn1875Tyr (NM_001008844.3); c.6091A>T, p.Asn2031Tyr (NM_001319034.2); short protein forms N2474Y, N2031Y, N1875Y.
Identifiers: ClinVar variation 2929455 (VCV002929455.3), dbSNP rs2533945789, ClinGen allele CA362692961.
Genomic context (GRCh38, chr6:7,584,682, plus strand): 5'-CAGACATCACAAAAGAATACCCTCAGGAAGCGTAGAGTGGTCATAGTTGACCCAGAAACC[A>T]ATAAAGAAATGTCTGTTCAGGAGGCCTACAAGAAGGGCCTAATTGATTATGAAACCTTCA-3'
Protein context (NP_004406.2, residues 2464-2484): RRVVIVDPET[Asn2474Tyr]KEMSVQEAYK